The following is an entry in ClinVar:

NM_000321.3(RB1):c.1492T>A (p.Tyr498Asn)

Gene: RB1 (RB transcriptional corepressor 1; plus strand). Cytogenetic location: 13q14.2.
Variant type: single nucleotide variant.
Coding change: c.1492T>A on transcript NM_000321.3 (MANE Select); coding-DNA position 1492, T replaced by A.
Protein change: p.Tyr498Asn; replaces tyrosine 498 with asparagine.
Molecular consequence: missense variant.
Genome position (GRCh38, 1-based): chr13:48,380,235, T>A. VCF-style: chr13-48380235-T-A. GRCh37 (hg19) VCF-style: chr13-48954371-T-A.
Other names: c.1492T>A, p.Tyr498Asn (NM_001407165.1, NM_001407166.1); short protein forms Y498N.
Identifiers: ClinVar variation 1773820 (VCV001773820.2), dbSNP rs2138143164, ClinGen allele CA388162911.
Genomic context (GRCh38, chr13:48,380,235, plus strand): 5'-AATGACAACATTTTTCATATGTCTTTATTGGCGTGCGCTCTTGAGGTTGTAATGGCCACA[T>A]ATAGCAGTAAGTTAAATTTTCATAAATAAACACTTTTGTTCAATTTAAAGTTAAAATGTG-3'
Protein context (NP_000312.2, residues 488-508): ACALEVVMAT[Tyr498Asn]SRSTSQNLDS

ClinVar aggregate classification (germline): Uncertain significance (1 of 4 stars; one submission).

Conditions:
Hereditary cancer-predisposing syndrome. Also called: Hereditary Cancer Syndrome; Hereditary neoplastic syndrome; Neoplastic Syndromes, Hereditary; Tumor predisposition. Identifiers: Orphanet 140162, MedGen C0027672, MeSH D009386, MONDO:0015356.

Submission:

Ambry Genetics
Classification: Uncertain significance for Hereditary cancer-predisposing syndrome. Last evaluated: 2022-05-06. Review status: criteria provided, single submitter. Criteria: Ambry Variant Classification Scheme 2023. Collection method: clinical testing. Allele origin: germline.
Comment: The p.Y498N variant (also known as c.1492T>A), located in coding exon 16 of the RB1 gene, results from a T to A substitution at nucleotide position 1492. The tyrosine at codon 498 is replaced by asparagine, an amino acid with dissimilar properties. This amino acid position is conserved. In addition, this alteration is predicted to be deleterious by in silico analysis. Since supporting evidence is limited at this time, the clinical significance of this alteration remains unclear.